The following is an entry in ClinVar:

ClinVar aggregate classification (germline): Uncertain significance (1 of 4 stars; one submission).

Submission:

Labcorp Genetics (formerly Invitae), Labcorp
Classification: Uncertain significance. Last evaluated: 2021-12-20. Review status: criteria provided, single submitter. Criteria: Invitae Variant Classification Sherloc (09022015). Collection method: clinical testing. Allele origin: germline.
Comment: This sequence change replaces arginine, which is basic and polar, with serine, which is neutral and polar, at codon 67 of the DGAT1 protein (p.Arg67Ser). This variant is not present in population databases (gnomAD no frequency). This variant has not been reported in the literature in individuals affected with DGAT1-related conditions. Algorithms developed to predict the effect of missense changes on protein structure and function output the following: SIFT: "Deleterious"; PolyPhen-2: "Benign"; Align-GVGD: "Class C0". The serine amino acid residue is found in multiple mammalian species, which suggests that this missense change does not adversely affect protein function. Algorithms developed to predict the effect of sequence changes on RNA splicing suggest that this variant may disrupt the consensus splice site. In summary, the available evidence is currently insufficient to determine the role of this variant in disease. Therefore, it has been classified as a Variant of Uncertain Significance.

NM_012079.6(DGAT1):c.201G>T (p.Arg67Ser)

Gene: DGAT1 (diacylglycerol O-acyltransferase 1; minus strand). Cytogenetic location: 8q24.3.
Variant type: single nucleotide variant.
Coding change: c.201G>T on transcript NM_012079.6 (MANE Select); coding-DNA position 201, G replaced by T.
Protein change: p.Arg67Ser; replaces arginine 67 with serine.
Molecular consequence: missense variant.
Genome position (GRCh38, 1-based): chr8:144,321,408, C>A on the plus strand (G>T on the coding strand, the complement: DGAT1 is on the minus strand). VCF-style: chr8-144321408-C-A. GRCh37 (hg19) VCF-style: chr8-145545071-C-A.
Other names: short protein forms R67S.
Identifiers: ClinVar variation 2049997 (VCV002049997.1), dbSNP rs1817453505, ClinGen allele CA372613160.
Genomic context (GRCh38, chr8:144,321,408, plus strand): 5'-GCCACGGTAGTTGCTGAAGCCACTGTCAGAGCTGAATAAAGAATCCTGCAGGCGATGGCA[C>A]CTGACAGAGCACAACACAAGCACCCCCTGAGTGGGCACCAGCAGGGCAGCGCCACCCCCG-3'
Protein context (NP_036211.2, residues 57-77): AGVGSGHWEL[Arg67Ser]CHRLQDSLFS